The following is an entry in ClinVar:

NM_170784.3(MKKS):c.926G>A (p.Arg309His)

Gene: MKKS (MKKS centrosomal shuttling protein; minus strand). Cytogenetic location: 20p12.2.
Variant type: single nucleotide variant.
Coding change: c.926G>A on transcript NM_170784.3 (MANE Select); coding-DNA position 926, G replaced by A.
Protein change: p.Arg309His; replaces arginine 309 with histidine.
Molecular consequence: missense variant.
Genome position (GRCh38, 1-based): chr20:10,412,589, C>T on the plus strand (G>A on the coding strand, the complement: MKKS is on the minus strand). VCF-style: chr20-10412589-C-T. GRCh37 (hg19) VCF-style: chr20-10393237-C-T.
Other names: c.926G>A (NM_018848.2); c.926G>A, p.Arg309His (NM_018848.3); short protein forms R309H.
Identifiers: ClinVar variation 860979 (VCV000860979.14), dbSNP rs199939179, ClinGen allele CA9763604.
Genomic context (GRCh38, chr20:10,412,589, plus strand): 5'-CCTGTCATTTTAGTCAGGGGTTCCATCAGAGTCACTCCAATTCTGTCTATGGCAATAATA[C>T]GATGCATATTGAGAAACTGCTTCAAAGATGGATGTATAACTTTTTGGCACAGGACAAGAT-3'
Protein context (NP_740754.1, residues 299-319): PSLKQFLNMH[Arg309His]IIAIDRIGVT

ClinVar aggregate classification (germline): Conflicting classifications of pathogenicity. Review status: criteria provided, conflicting classifications (1 of 4 stars). 5 submissions from 5 submitters: Uncertain significance (2); Likely benign (2). 1 of the submissions does not count toward it. Last evaluated 2026-01-18.

Conditions:
Inborn genetic diseases. Identifiers: MedGen C0950123, MeSH D030342.
Bardet-Biedl syndrome (BBS). Identifiers: Orphanet 110, MedGen C0752166, MONDO:0015229.
McKusick-Kaufman syndrome (MKKS). Also called: HYDROMETROCOLPOS SYNDROME; HYDROMETROCOLPOS, POSTAXIAL POLYDACTYLY, AND CONGENITAL HEART MALFORMATION. Identifiers: Orphanet 2473, MedGen C0948368, MONDO:0009367, OMIM 236700.
MKKS-related disorder. Also called: MKKS-related disorders; MKKS-related condition.
Bardet-Biedl syndrome 6 (BBS6). Identifiers: Orphanet 110, MedGen C1858054, MONDO:0011523, OMIM 605231.

Allele frequency attached by ClinVar (database versions not stated): ExAC 0.00005; ESP Exome Variant Server 0.00008; TOPMed 0.00009; gnomAD 0.00010; gnomAD exomes 0.00011; 1000 Genomes Project 30x 0.00016; 1000 Genomes Project 0.00020.
gnomAD v4.1: 150 of 1,613,940 alleles (0.0093%); highest among the groups gnomAD compares: African/African-American, 0.008%; no homozygotes.

Submissions (5):

Labcorp Genetics (formerly Invitae), Labcorp
Classification: Likely benign for McKusick-Kaufman syndrome; Bardet-Biedl syndrome. Last evaluated: 2026-01-18. Review status: criteria provided, single submitter. Criteria: Invitae Variant Classification Sherloc (09022015). Collection method: clinical testing. Allele origin: germline.

Blueprint Genetics
Classification: Uncertain significance. Last evaluated: 2024-07-12. Review status: criteria provided, single submitter. Criteria: ACMG Guidelines, 2015. Collection method: clinical testing. Allele origin: germline.

Ambry Genetics
Classification: Likely benign for Inborn genetic diseases. Last evaluated: 2022-05-20. Review status: criteria provided, single submitter. Criteria: Ambry Variant Classification Scheme 2023. Collection method: clinical testing. Allele origin: germline.

Fulgent Genetics
Classification: Uncertain significance for McKusick-Kaufman syndrome; Bardet-Biedl syndrome 6. Last evaluated: 2022-02-11. Review status: criteria provided, single submitter. Criteria: ACMG Guidelines, 2015. Collection method: clinical testing. Allele origin: unknown.

PreventionGenetics, part of Exact Sciences
Classification: Likely benign for MKKS-related condition. Last evaluated: 2020-01-15. Review status: no assertion criteria provided. Collection method: clinical testing. Allele origin: germline. Not counted in ClinVar's aggregate classification.
Comment: This variant is classified as likely benign based on ACMG/AMP sequence variant interpretation guidelines (Richards et al. 2015 PMID: 25741868, with internal and published modifications).